The following is an entry in ClinVar:

NM_000202.8(IDS):c.1133T>C (p.Phe378Ser)

Genes: IDS (iduronate 2-sulfatase; minus strand), LOC106050102 (IDS recombination region; plus strand). Cytogenetic location: Xq28.
Variant type: single nucleotide variant.
Coding change: c.1133T>C on transcript NM_000202.8 (MANE Select); coding-DNA position 1133, T replaced by C.
Protein change: p.Phe378Ser; replaces phenylalanine 378 with serine.
Molecular consequence: missense variant.
Genome position (GRCh38, 1-based): chrX:149,486,972, A>G on the plus strand (T>C on the coding strand, the complement: IDS is on the minus strand). VCF-style: chrX-149486972-A-G. GRCh37 (hg19) VCF-style: chrX-148568503-A-G.
Other names: c.863T>C, p.Phe288Ser (NM_001166550.4); short protein forms F378S, F288S.
Identifiers: ClinVar variation 3695589 (VCV003695589.3).

ClinVar aggregate classification (germline): Uncertain significance. Review status: criteria provided, multiple submitters, no conflicts (2 of 4 stars). 2 submissions from 2 submitters: Uncertain significance (2). Last evaluated 2024-09-21.

Conditions:
Mucopolysaccharidosis, MPS-II (MPS2). Also called: IDS deficiency; Sulfoiduronate sulfatase deficiency; SIDS deficiency; Mucopolysaccharidosis with skin involvement; Attenuated MPS (subtype; formerly known as mild MPS II); Severe MPS II. Identifiers: Orphanet 580, Orphanet 79388, MedGen C0026705, MONDO:0010674, OMIM 309900.

Submissions (2):

Labcorp Genetics (formerly Invitae), Labcorp
Classification: Uncertain significance for Mucopolysaccharidosis, MPS-II. Last evaluated: 2024-09-21. Review status: criteria provided, single submitter. Criteria: Invitae Variant Classification Sherloc (09022015). Collection method: clinical testing. Allele origin: germline.
Comment: This sequence change replaces phenylalanine, which is neutral and non-polar, with serine, which is neutral and polar, at codon 378 of the IDS protein (p.Phe378Ser). This variant is not present in population databases (gnomAD no frequency). This variant has not been reported in the literature in individuals affected with IDS-related conditions. Invitae Evidence Modeling of protein sequence and biophysical properties (such as structural, functional, and spatial information, amino acid conservation, physicochemical variation, residue mobility, and thermodynamic stability) has been performed for this missense variant. However, the output from this modeling did not meet the statistical confidence thresholds required to predict the impact of this variant on IDS protein function. In summary, the available evidence is currently insufficient to determine the role of this variant in disease. Therefore, it has been classified as a Variant of Uncertain Significance.

Revvity Omics, Revvity
Classification: Uncertain significance for Mucopolysaccharidosis, MPS-II. Last evaluated: 2024-08-28. Review status: criteria provided, single submitter. Criteria: ACMG Guidelines, 2015. Collection method: clinical testing. Allele origin: germline.